The following is an entry in ClinVar:

NM_006734.4(HIVEP2):c.6024C>G (p.Asp2008Glu)

Gene: HIVEP2 (HIVEP zinc finger 2; minus strand). Cytogenetic location: 6q24.2.
Variant type: single nucleotide variant.
Coding change: c.6024C>G on transcript NM_006734.4 (MANE Select); coding-DNA position 6024, C replaced by G.
Protein change: p.Asp2008Glu; replaces aspartic acid 2008 with glutamic acid.
Molecular consequence: missense variant.
Genome position (GRCh38, 1-based): chr6:142,760,264, G>C on the plus strand (C>G on the coding strand, the complement: HIVEP2 is on the minus strand). VCF-style: chr6-142760264-G-C. GRCh37 (hg19) VCF-style: chr6-143081401-G-C.
Other names: short protein forms D2008E.
Identifiers: ClinVar variation 3257054 (VCV003257054.19).

ClinVar aggregate classification (germline): Likely benign. Review status: criteria provided, multiple submitters, no conflicts (2 of 4 stars). 2 submissions from 2 submitters: Likely benign (2). Last evaluated 2024-07-01.

gnomAD v4.1: 34 of 1,613,988 alleles (0.0021%); highest among the groups gnomAD compares: Non-Finnish European, 0.0026%; no homozygotes.

Submissions (2):

CeGaT Center for Human Genetics Tuebingen
Classification: Likely benign. Last evaluated: 2024-07-01. Review status: criteria provided, single submitter. Criteria: CeGaT Center For Human Genetics Tuebingen Variant Classification Criteria Version 2. Collection method: clinical testing. Allele origin: germline. Affected: yes. Observed: 1 variant allele.
Comment: HIVEP2: BP1

Labcorp Genetics (formerly Invitae), Labcorp
Classification: Likely benign. Last evaluated: 2024-06-26. Review status: criteria provided, single submitter. Criteria: Invitae Variant Classification Sherloc (09022015). Collection method: clinical testing. Allele origin: germline.